The following is an entry in ClinVar:

ClinVar aggregate classification (germline): Uncertain significance (1 of 4 stars; one submission).

Conditions:
Peroxisome biogenesis disorder 11A (Zellweger). Also called: Peroxisome biogenesis disorder 11A. Identifiers: Orphanet 912, MedGen C3554000, MONDO:0013949, OMIM 614883.

Allele frequency attached by ClinVar (database versions not stated): gnomAD exomes below 0.00001.

Submission:

Labcorp Genetics (formerly Invitae), Labcorp
Classification: Uncertain significance for Peroxisome biogenesis disorder 11A (Zellweger). Last evaluated: 2021-11-24. Review status: criteria provided, single submitter. Criteria: Invitae Variant Classification Sherloc (09022015). Collection method: clinical testing. Allele origin: germline.
Comment: Algorithms developed to predict the effect of missense changes on protein structure and function output the following: SIFT: "Tolerated"; PolyPhen-2: "Benign"; Align-GVGD: "Class C0". The isoleucine amino acid residue is found in multiple mammalian species, which suggests that this missense change does not adversely affect protein function. In summary, the available evidence is currently insufficient to determine the role of this variant in disease. Therefore, it has been classified as a Variant of Uncertain Significance. This variant has not been reported in the literature in individuals affected with PEX13-related conditions. This variant is present in population databases (no rsID available, gnomAD 0.006%). This sequence change replaces methionine, which is neutral and non-polar, with isoleucine, which is neutral and non-polar, at codon 198 of the PEX13 protein (p.Met198Ile).

NM_002618.4(PEX13):c.594G>A (p.Met198Ile)

Gene: PEX13 (peroxisomal biogenesis factor 13; plus strand). Cytogenetic location: 2p15.
Variant type: single nucleotide variant.
Coding change: c.594G>A on transcript NM_002618.4 (MANE Select); coding-DNA position 594, G replaced by A.
Protein change: p.Met198Ile; replaces methionine 198 with isoleucine.
Molecular consequence: missense variant.
Genome position (GRCh38, 1-based): chr2:61,031,920, G>A. VCF-style: chr2-61031920-G-A. GRCh37 (hg19) VCF-style: chr2-61259055-G-A.
Other names: short protein forms M198I.
Identifiers: ClinVar variation 1440760 (VCV001440760.6), dbSNP rs1388373241, ClinGen allele CA346943989.